The following is an entry in ClinVar:

ClinVar aggregate classification (germline): Uncertain significance. Review status: criteria provided, multiple submitters, no conflicts (2 of 4 stars). 2 submissions from 2 submitters: Uncertain significance (2). Last evaluated 2024-11-10.

Conditions:
Inborn genetic diseases. Identifiers: MedGen C0950123, MeSH D030342.
Hereditary spastic paraplegia 47. Also called: adaptor protein 4 (AP-4) deficiency syndrome; CEREBRAL PALSY, SPASTIC QUADRIPLEGIC, 5; Spastic paraplegia 47, autosomal recessive. Identifiers: Orphanet 280763, MedGen C3279738, MONDO:0013551, OMIM 614066.

Allele frequency attached by ClinVar (database versions not stated): gnomAD 0.00001; ExAC 0.00002; gnomAD exomes 0.00002 and 0.00004; TOPMed 0.00002; ESP Exome Variant Server 0.00008.

Submissions (2):

Ambry Genetics
Classification: Uncertain significance for Inborn genetic diseases. Last evaluated: 2024-11-10. Review status: criteria provided, single submitter. Criteria: Ambry Variant Classification Scheme 2023. Collection method: clinical testing. Allele origin: germline.

Labcorp Genetics (formerly Invitae), Labcorp
Classification: Uncertain significance for Hereditary spastic paraplegia 47. Last evaluated: 2023-05-08. Review status: criteria provided, single submitter. Criteria: Invitae Variant Classification Sherloc (09022015). Collection method: clinical testing. Allele origin: germline.
Comment: In summary, the available evidence is currently insufficient to determine the role of this variant in disease. Therefore, it has been classified as a Variant of Uncertain Significance. Advanced modeling of protein sequence and biophysical properties (such as structural, functional, and spatial information, amino acid conservation, physicochemical variation, residue mobility, and thermodynamic stability) performed at Invitae indicates that this missense variant is expected to disrupt AP4B1 protein function. ClinVar contains an entry for this variant (Variation ID: 1370084). This variant has not been reported in the literature in individuals affected with AP4B1-related conditions. This variant is present in population databases (rs144490934, gnomAD 0.01%), including at least one homozygous and/or hemizygous individual. This sequence change replaces arginine, which is basic and polar, with histidine, which is basic and polar, at codon 169 of the AP4B1 protein (p.Arg169His).

NM_001253852.3(AP4B1):c.506G>A (p.Arg169His)

Gene: AP4B1 (adaptor related protein complex 4 subunit beta 1; minus strand). Cytogenetic location: 1p13.2.
Variant type: single nucleotide variant.
Coding change: c.506G>A on transcript NM_001253852.3 (MANE Select); coding-DNA position 506, G replaced by A.
Protein change: p.Arg169His; replaces arginine 169 with histidine.
Molecular consequence: missense variant. On other transcripts: intron variant (1).
Genome position (GRCh38, 1-based): chr1:113,901,347, C>T on the plus strand (G>A on the coding strand, the complement: AP4B1 is on the minus strand). VCF-style: chr1-113901347-C-T. GRCh37 (hg19) VCF-style: chr1-114443969-C-T.
Other names: c.209G>A, p.Arg70His (NM_001253853.3); c.506G>A, p.Arg169His (NM_006594.5); c.114-947G>A (NM_001308312.2); c.506G>A (NM_006594.2); short protein forms R70H, R169H.
Identifiers: ClinVar variation 1370084 (VCV001370084.5), dbSNP rs144490934, ClinGen allele CA1016079.